The following is an entry in ClinVar:

ClinVar aggregate classification (germline): Benign/Likely benign. Review status: criteria provided, multiple submitters, no conflicts (2 of 4 stars). 4 submissions from 4 submitters: Benign (1); Likely benign (2). 1 of the submissions does not count toward it. Last evaluated 2026-09-01.

Conditions:
PIGN-related disorder. Also called: PIGN-related condition.
Multiple congenital anomalies-hypotonia-seizures syndrome 1 (MCAHS1). Also called: PIGN-CDG; Congenital disorder of glycosylation due to PIGN deficiency; GLYCOSYLPHOSPHATIDYLINOSITOL BIOSYNTHESIS DEFECT 3. Identifiers: Orphanet 280633, MedGen C3279775, MONDO:0013563, OMIM 614080.

Allele frequency attached by ClinVar (database versions not stated): TOPMed 0.00014; ESP Exome Variant Server 0.00017; 1000 Genomes Project 0.00020; 1000 Genomes Project 30x 0.00031; gnomAD exomes 0.00038 and 0.00065; gnomAD 0.00049 and 0.00056; ExAC 0.00072.
gnomAD v4.1: 643 of 1,612,262 alleles (0.04%); highest among the groups gnomAD compares: East Asian, 0.44%; 3 homozygotes.

Submissions (4):

CeGaT Center for Human Genetics Tuebingen
Classification: Likely benign. Last evaluated: 2026-09-01. Review status: criteria provided, single submitter. Criteria: CeGaT Center For Human Genetics Tuebingen Variant Classification Criteria Version 2. Collection method: clinical testing. Allele origin: germline. Affected: yes. Observed: 2 variant alleles.
Comment: PIGN: BP4, BP7

Labcorp Genetics (formerly Invitae), Labcorp
Classification: Benign for Multiple congenital anomalies-hypotonia-seizures syndrome 1. Last evaluated: 2026-02-03. Review status: criteria provided, single submitter. Criteria: Invitae Variant Classification Sherloc (09022015). Collection method: clinical testing. Allele origin: germline.

Blueprint Genetics
Classification: Likely benign. Last evaluated: 2024-10-02. Review status: criteria provided, single submitter. Criteria: ACMG Guidelines, 2015. Collection method: clinical testing. Allele origin: germline.

PreventionGenetics, part of Exact Sciences
Classification: Likely benign for PIGN-related condition. Last evaluated: 2024-02-20. Review status: no assertion criteria provided. Collection method: clinical testing. Allele origin: germline. Not counted in ClinVar's aggregate classification.
Comment: This variant is classified as likely benign based on ACMG/AMP sequence variant interpretation guidelines (Richards et al. 2015 PMID: 25741868, with internal and published modifications).

NM_176787.5(PIGN):c.2022A>G (p.Leu674=)

Gene: PIGN (phosphatidylinositol glycan anchor biosynthesis class N; minus strand). Cytogenetic location: 18q21.33.
Variant type: single nucleotide variant.
Coding change: c.2022A>G on transcript NM_176787.5 (MANE Select); coding-DNA position 2022, A replaced by G.
Protein change: p.Leu674=; no amino-acid change (leucine 674 retained).
Molecular consequence: synonymous variant.
Genome position (GRCh38, 1-based): chr18:62,101,130, T>C on the plus strand (A>G on the coding strand, the complement: PIGN is on the minus strand). VCF-style: chr18-62101130-T-C. GRCh37 (hg19) VCF-style: chr18-59768363-T-C.
Other names: c.2022A>G, p.Leu674= (NM_012327.6).
Identifiers: ClinVar variation 772492 (VCV000772492.35), dbSNP rs3764491, ClinGen allele CA8982107.
Genomic context (GRCh38, chr18:62,101,130, plus strand): 5'-CTTACCTAATGTTGCCCAGCTAATAATTTGATTCATGAGAGGCAGTCCTTGCTTCCTGAG[T>C]AGACTACTCTGAGTGCTATACACAACATACATGGAGAGCACTGTGCTCAGCACCTAAAGA-3'
Protein context (NP_789744.1, residues 664-684): MYVVYSTQSS[Leu674=]LRKQGLPLMN